The following is an entry in ClinVar:

NM_015474.4(SAMHD1):c.147G>C (p.Gln49His)

Gene: SAMHD1 (SAM and HD domain containing deoxynucleoside triphosphate triphosphohydrolase 1; minus strand). Cytogenetic location: 20q11.23.
Variant type: single nucleotide variant.
Coding change: c.147G>C on transcript NM_015474.4 (MANE Select); coding-DNA position 147, G replaced by C.
Protein change: p.Gln49His; replaces glutamine 49 with histidine.
Molecular consequence: missense variant.
Genome position (GRCh38, 1-based): chr20:36,951,497, C>G on the plus strand (G>C on the coding strand, the complement: SAMHD1 is on the minus strand). VCF-style: chr20-36951497-C-G. GRCh37 (hg19) VCF-style: chr20-35579900-C-G.
Other names: c.147G>C, p.Gln49His (NM_001363729.2, NM_001363733.2); short protein forms Q49H.
Identifiers: ClinVar variation 2165261 (VCV002165261.1), dbSNP rs2063734254, ClinGen allele CA408832171.

ClinVar aggregate classification (germline): Uncertain significance (1 of 4 stars; one submission).

Conditions:
Aicardi-Goutieres syndrome 5. Identifiers: Orphanet 51, MedGen C2749659, MONDO:0013059, OMIM 612952.

Submission:

Labcorp Genetics (formerly Invitae), Labcorp
Classification: Uncertain significance for Aicardi-Goutieres syndrome 5. Last evaluated: 2022-10-10. Review status: criteria provided, single submitter. Criteria: Invitae Variant Classification Sherloc (09022015). Collection method: clinical testing. Allele origin: germline.
Comment: This sequence change replaces glutamine, which is neutral and polar, with histidine, which is basic and polar, at codon 49 of the SAMHD1 protein (p.Gln49His). This variant is not present in population databases (gnomAD no frequency). This variant has not been reported in the literature in individuals affected with SAMHD1-related conditions. Algorithms developed to predict the effect of missense changes on protein structure and function are either unavailable or do not agree on the potential impact of this missense change (SIFT: "Tolerated"; PolyPhen-2: "Probably Damaging"; Align-GVGD: "Class C0"). In summary, the available evidence is currently insufficient to determine the role of this variant in disease. Therefore, it has been classified as a Variant of Uncertain Significance.